The following is an entry in ClinVar:

NM_001687.5(ATP5F1D):c.446C>T (p.Thr149Met)

Genes: ATP5F1D (ATP synthase F1 subunit delta; plus strand), LOC130062904 (ATAC-STARR-seq lymphoblastoid silent region 9674; plus strand). Cytogenetic location: 19p13.3.
Variant type: single nucleotide variant.
Coding change: c.446C>T on transcript NM_001687.5 (MANE Select); coding-DNA position 446, C replaced by T.
Protein change: p.Thr149Met; replaces threonine 149 with methionine.
Molecular consequence: missense variant.
Genome position (GRCh38, 1-based): chr19:1,244,376, C>T. VCF-style: chr19-1244376-C-T. GRCh37 (hg19) VCF-style: chr19-1244375-C-T.
Other names: c.446C>T, p.Thr149Met (NM_001001975.2); c.446C>T (NM_001687.4); short protein forms T149M.
Identifiers: ClinVar variation 2897883 (VCV002897883.4), dbSNP rs928011879, ClinGen allele CA304014351.

ClinVar aggregate classification (germline): Uncertain significance. Review status: criteria provided, multiple submitters, no conflicts (2 of 4 stars). 2 submissions from 2 submitters: Uncertain significance (2). Last evaluated 2026-01-07.

Conditions:
Inborn genetic diseases. Identifiers: MedGen C0950123, MeSH D030342.

Allele frequency attached by ClinVar (database versions not stated): TOPMed 0.00005; gnomAD 0.00004; gnomAD exomes 0.00001.
gnomAD v4.1: 27 of 1,579,360 alleles (0.0017%); highest among the groups gnomAD compares: African/African-American, 0.017%; no homozygotes.

Submissions (2):

Labcorp Genetics (formerly Invitae), Labcorp
Classification: Uncertain significance. Last evaluated: 2026-01-07. Review status: criteria provided, single submitter. Criteria: Invitae Variant Classification Sherloc (09022015). Collection method: clinical testing. Allele origin: germline.
Comment: This sequence change replaces threonine, which is neutral and polar, with methionine, which is neutral and non-polar, at codon 149 of the ATP5D protein (p.Thr149Met). The frequency data for this variant in the population databases is considered unreliable, as metrics indicate poor data quality at this position in the gnomAD database. This variant has not been reported in the literature in individuals affected with ATP5D-related conditions. ClinVar contains an entry for this variant (Variation ID: 2897883). An algorithm developed to predict the effect of missense changes on protein structure and function outputs the following: PolyPhen-2: "Benign". The methionine amino acid residue is found in multiple mammalian species, which suggests that this missense change does not adversely affect protein function. In summary, the available evidence is currently insufficient to determine the role of this variant in disease. Therefore, it has been classified as a Variant of Uncertain Significance.

Ambry Genetics
Classification: Uncertain significance for Inborn genetic diseases. Last evaluated: 2025-08-22. Review status: criteria provided, single submitter. Criteria: Ambry Variant Classification Scheme 2023. Collection method: clinical testing. Allele origin: germline.